The following is an entry in ClinVar:

NM_004006.3(DMD):c.6433C>A (p.Leu2145Ile)

Gene: DMD (dystrophin; minus strand). Cytogenetic location: Xp21.1.
Variant type: single nucleotide variant.
Coding change: c.6433C>A on transcript NM_004006.3 (MANE Select); coding-DNA position 6433, C replaced by A.
Protein change: p.Leu2145Ile; replaces leucine 2145 with isoleucine.
Molecular consequence: missense variant.
Genome position (GRCh38, 1-based): chrX:32,216,921, G>T on the plus strand (C>A on the coding strand, the complement: DMD is on the minus strand). VCF-style: chrX-32216921-G-T. GRCh37 (hg19) VCF-style: chrX-32235038-G-T.
Other names: c.6409C>A, p.Leu2137Ile (NM_000109.4); c.6421C>A, p.Leu2141Ile (NM_004009.3); c.6064C>A, p.Leu2022Ile (NM_004010.3); c.2410C>A, p.Leu804Ile (NM_004011.4); c.2401C>A, p.Leu801Ile (NM_004012.4); short protein forms L2137I, L2141I, L804I, L801I, L2145I, L2022I.
Identifiers: ClinVar variation 2779559 (VCV002779559.3), dbSNP rs760988537, ClinGen allele CA10378473.

ClinVar aggregate classification (germline): Uncertain significance (1 of 4 stars; one submission).

Conditions:
Duchenne muscular dystrophy (DMD). Also called: MUSCULAR DYSTROPHY, PSEUDOHYPERTROPHIC PROGRESSIVE, DUCHENNE TYPE; Duchenne Muscular Dystrophy (DMD). Identifiers: Orphanet 98896, MedGen C0013264, MONDO:0010679, OMIM 310200.

Allele frequency attached by ClinVar (database versions not stated): gnomAD exomes below 0.00001; ExAC 0.00001.
gnomAD v4.1: 3 of 1,207,342 alleles (0.00025%); highest among the groups gnomAD compares: Non-Finnish European, 0.00034%; no homozygotes.

Submission:

Labcorp Genetics (formerly Invitae), Labcorp
Classification: Uncertain significance for Duchenne muscular dystrophy. Last evaluated: 2023-10-18. Review status: criteria provided, single submitter. Criteria: Invitae Variant Classification Sherloc (09022015). Collection method: clinical testing. Allele origin: germline.
Comment: This sequence change replaces leucine, which is neutral and non-polar, with isoleucine, which is neutral and non-polar, at codon 2145 of the DMD protein (p.Leu2145Ile). The frequency data for this variant in the population databases is considered unreliable, as metrics indicate poor data quality at this position in the gnomAD database. This variant has not been reported in the literature in individuals affected with DMD-related conditions. Advanced modeling of protein sequence and biophysical properties (such as structural, functional, and spatial information, amino acid conservation, physicochemical variation, residue mobility, and thermodynamic stability) performed at Invitae indicates that this missense variant is not expected to disrupt DMD protein function. In summary, the available evidence is currently insufficient to determine the role of this variant in disease. Therefore, it has been classified as a Variant of Uncertain Significance.